The following is an entry in ClinVar:

NM_002470.4(MYH3):c.215T>C (p.Val72Ala)

Gene: MYH3 (myosin heavy chain 3; minus strand). Cytogenetic location: 17p13.1.
Variant type: single nucleotide variant.
Coding change: c.215T>C on transcript NM_002470.4 (MANE Select); coding-DNA position 215, T replaced by C.
Protein change: p.Val72Ala; replaces valine 72 with alanine.
Molecular consequence: missense variant.
Genome position (GRCh38, 1-based): chr17:10,652,553, A>G on the plus strand (T>C on the coding strand, the complement: MYH3 is on the minus strand). VCF-style: chr17-10652553-A-G. GRCh37 (hg19) VCF-style: chr17-10555870-A-G.
Other names: short protein forms V72A.
Identifiers: ClinVar variation 4800686 (VCV004800686.1).

ClinVar aggregate classification (germline): Uncertain significance (1 of 4 stars; one submission).

Submission:

Labcorp Genetics (formerly Invitae), Labcorp
Classification: Uncertain significance. Last evaluated: 2025-08-29. Review status: criteria provided, single submitter. Criteria: Invitae Variant Classification Sherloc (09022015). Collection method: clinical testing. Allele origin: germline.
Comment: This sequence change replaces valine, which is neutral and non-polar, with alanine, which is neutral and non-polar, at codon 72 of the MYH3 protein (p.Val72Ala). This variant is not present in population databases (gnomAD no frequency). This variant has not been reported in the literature in individuals affected with MYH3-related conditions. Invitae Evidence Modeling of protein sequence and biophysical properties (such as structural, functional, and spatial information, amino acid conservation, physicochemical variation, residue mobility, and thermodynamic stability) has been performed for this missense variant. However, the output from this modeling did not meet the statistical confidence thresholds required to predict the impact of this variant on MYH3 protein function. In summary, the available evidence is currently insufficient to determine the role of this variant in disease. Therefore, it has been classified as a Variant of Uncertain Significance.